The following is an entry in ClinVar:

ClinVar aggregate classification (germline): Pathogenic (1 of 4 stars; one submission).

Conditions:
Neurofibromatosis, type 1 (NF1). Also called: Neurofibromatosis, type I; VON RECKLINGHAUSEN DISEASE; NEUROFIBROMATOSIS, TYPE I, SOMATIC; Peripheral type neurofibromatosis. Identifiers: Orphanet 636, MedGen C0027831, MONDO:0018975, OMIM 162200. Disease mechanism: loss of function.

Submission:

Labcorp Genetics (formerly Invitae), Labcorp
Classification: Pathogenic for Neurofibromatosis, type 1. Last evaluated: 2021-05-31. Review status: criteria provided, single submitter. Criteria: Invitae Variant Classification Sherloc (09022015). Collection method: clinical testing. Allele origin: germline.
Comment: For these reasons, this variant has been classified as Pathogenic. This variant has not been reported in the literature in individuals with NF1-related conditions. This variant is not present in population databases (ExAC no frequency). This sequence change creates a premature translational stop signal (p.Lys1436Argfs*8) in the NF1 gene. It is expected to result in an absent or disrupted protein product. Loss-of-function variants in NF1 are known to be pathogenic (PMID: 10712197, 23913538).

Literature cited by the submitters: PubMed 10712197; PubMed 23913538.

NM_001042492.3(NF1):c.4370_4374del (p.Lys1457fs)

Gene: NF1 (neurofibromin 1; plus strand). Cytogenetic location: 17q11.2.
Variant type: Deletion.
Coding change: c.4370_4374del on transcript NM_001042492.3 (MANE Select); coding-DNA positions 4370 to 4374, 5 bases deleted (AAGAA; older notation c.4370_4374delAAGAA).
Protein change: p.Lys1457fs; shifts the reading frame from lysine 1457.
Molecular consequence: frameshift variant.
Genome position (GRCh38, 1-based): chr17:31,259,069-31,259,073, AAGAA deleted; deleting any 5 consecutive bases within chr17:31,259,067-31,259,073 gives the same sequence; the c. name uses the placement nearest the transcript's 3' end. VCF-style (leftmost placement, unchanged base first): chr17-31259066-CAAAAG-C. GRCh37 (hg19) VCF-style: chr17-29586084-CAAAAG-C.
Other names: c.4307_4311delAAGAA, p.Lys1436Argfs (NM_000267.4); short protein forms K1457fs, K1436fs.
Identifiers: ClinVar variation 1454449 (VCV001454449.6), dbSNP rs2151463037, ClinGen allele CA2573153624.